The following is an entry in ClinVar:

NM_002500.5(NEUROD1):c.45G>T (p.Gln15His)

Gene: NEUROD1 (neuronal differentiation 1; minus strand). Cytogenetic location: 2q31.3.
Variant type: single nucleotide variant.
Coding change: c.45G>T on transcript NM_002500.5 (MANE Select); coding-DNA position 45, G replaced by T.
Protein change: p.Gln15His; replaces glutamine 15 with histidine.
Molecular consequence: missense variant.
Genome position (GRCh38, 1-based): chr2:181,678,816, C>A on the plus strand (G>T on the coding strand, the complement: NEUROD1 is on the minus strand). VCF-style: chr2-181678816-C-A. GRCh37 (hg19) VCF-style: chr2-182543543-C-A.
Other names: short protein forms Q15H.
Identifiers: ClinVar variation 3721703 (VCV003721703.2).

ClinVar aggregate classification (germline): Uncertain significance (1 of 4 stars; one submission).

Submission:

Labcorp Genetics (formerly Invitae), Labcorp
Classification: Uncertain significance. Last evaluated: 2024-12-15. Review status: criteria provided, single submitter. Criteria: Invitae Variant Classification Sherloc (09022015). Collection method: clinical testing. Allele origin: germline.
Comment: This sequence change replaces glutamine, which is neutral and polar, with histidine, which is basic and polar, at codon 15 of the NEUROD1 protein (p.Gln15His). This variant is not present in population databases (gnomAD no frequency). This variant has not been reported in the literature in individuals affected with NEUROD1-related conditions. An algorithm developed to predict the effect of missense changes on protein structure and function (PolyPhen-2) suggests that this variant is likely to be tolerated. In summary, the available evidence is currently insufficient to determine the role of this variant in disease. Therefore, it has been classified as a Variant of Uncertain Significance.